The following is an entry in ClinVar:

ClinVar aggregate classification (germline): Conflicting classifications of pathogenicity. Review status: criteria provided, conflicting classifications (1 of 4 stars). 2 submissions from 2 submitters: Pathogenic (1); Uncertain significance (1). Last evaluated 2022-02-22.

Conditions:
Neurodevelopmental disorder with or without anomalies of the brain, eye, or heart (NEDBEH). Identifiers: Orphanet 494344, MedGen C5567477, MONDO:0014857, OMIM 616975.
Agenesis of cerebral white matter. Also called: Cerebral white matter agenesis. Identifiers: MedGen C1859969, MONDO:0008739, OMIM 202600, HP:0200017.

gnomAD v4.1: 2 of 1,610,758 alleles (0.00012%); highest among the groups gnomAD compares: Non-Finnish European, 0.00017%; no homozygotes.

Submissions (2):

AURAGEN, Plan France Médecine Génomique
Classification: Pathogenic for Agenesis of cerebral white matter. Last evaluated: 2022-02-22. Review status: criteria provided, single submitter. Criteria: PFMG2025 (Lancet Reg Health Eur. 2025). Collection method: clinical testing. Allele origin: germline. Affected: yes.

Royal Medical Services, Bahrain Defence Force Hospital
Classification: Uncertain significance for Neurodevelopmental disorder with or without anomalies of the brain, eye, or heart. Review status: criteria provided, single submitter. Criteria: ACMG Guidelines, 2015. Collection method: clinical testing. Allele origin: de novo. Inheritance: Autosomal dominant inheritance. Affected: yes. Observed: 1 heterozygote.
Comment: The RERE variant c.3535C>T p.(Arg1179*) creates a premature stop codon. It is classified as variant of uncertain significance (class 3) according to the recommendations of CENTOGENE and ACMG

Literature cited by the submitters: PubMed 27087320 (cited by Royal Medical Services, Bahrain Defence Force Hospital).

NM_001042681.2(RERE):c.3535C>T (p.Arg1179Ter)

Gene: RERE (arginine-glutamic acid dipeptide repeats; minus strand). Cytogenetic location: 1p36.23.
Variant type: single nucleotide variant.
Coding change: c.3535C>T on transcript NM_001042681.2 (MANE Select); coding-DNA position 3535, C replaced by T.
Protein change: p.Arg1179Ter; replaces arginine 1179 with a stop codon.
Molecular consequence: nonsense.
Genome position (GRCh38, 1-based): chr1:8,359,847, G>A on the plus strand (C>T on the coding strand, the complement: RERE is on the minus strand). VCF-style: chr1-8359847-G-A. GRCh37 (hg19) VCF-style: chr1-8419907-G-A.
Other names: c.1873C>T, p.Arg625Ter (NM_001042682.2); c.3535C>T, p.Arg1179Ter (NM_012102.4); short protein forms R1179*, R625*.
Identifiers: ClinVar variation 3765555 (VCV003765555.3).